The following is an entry in ClinVar:

NM_001042750.2(STAG2):c.2184+2T>G

Gene: STAG2 (STAG2 cohesin complex component; plus strand). Cytogenetic location: Xq25.
Variant type: single nucleotide variant.
Coding change: c.2184+2T>G on transcript NM_001042750.2 (MANE Select); the canonical splice donor site of the intron after coding-DNA position 2184, T replaced by G.
Molecular consequence: splice donor variant.
Genome position (GRCh38, 1-based): chrX:124,066,264, T>G. VCF-style: chrX-124066264-T-G. GRCh37 (hg19) VCF-style: chrX-123200114-T-G.
Other names: c.2184+2T>G (NM_001042749.2, NM_001441077.1, NM_001375366.1 and 23 more transcripts).
Identifiers: ClinVar variation 4795935 (VCV004795935.1).

ClinVar aggregate classification (germline): Likely pathogenic (1 of 4 stars; one submission).

Conditions:
X-linked STAG2-related disorders.

Submission:

Variantyx, Inc.
Classification: Likely pathogenic for X-linked STAG2-related disorders. Last evaluated: 2025-05-05. Review status: criteria provided, single submitter. Criteria: Variantyx Assertion Criteria 2022. Collection method: clinical testing. Allele origin: maternal. Inheritance: X-linked inheritance.
Comment: This is a canonical splicing variant in the STAG2 gene (OMIM: 300826). Pathogenic variants in this gene have been associated with X-linked STAG2-related disorders. Loss of function is a known disease mechanism for STAG2 in this disorder (PMID: 28296084). However, the functional consequence of this splicing variant cannot be predicted with certainty (PVS1_Moderate). This variant is absent from control populations (PM2), and has not been reported in individuals with STAG2-related disorders in the databases available for review. Based on the current evidence, this variant is classified as likely pathogenic for X-linked STAG2-related disorders.

Literature cited by the submitters: PubMed 28296084.